The following is an entry in ClinVar:

NM_017415.3(KLHL3):c.1675C>T (p.Pro559Ser)

Gene: KLHL3 (kelch like family member 3; minus strand). Cytogenetic location: 5q31.2.
Variant type: single nucleotide variant.
Coding change: c.1675C>T on transcript NM_017415.3 (MANE Select); coding-DNA position 1675, C replaced by T.
Protein change: p.Pro559Ser; replaces proline 559 with serine.
Molecular consequence: missense variant.
Genome position (GRCh38, 1-based): chr5:137,625,813, G>A on the plus strand (C>T on the coding strand, the complement: KLHL3 is on the minus strand). VCF-style: chr5-137625813-G-A. GRCh37 (hg19) VCF-style: chr5-136961502-G-A.
Other names: c.1429C>T, p.Pro477Ser (NM_001257195.2); c.1675C>T (NM_017415.2); c.1579C>T, p.Pro527Ser (NM_001257194.1); short protein forms P559S, P477S, P527S.
Identifiers: ClinVar variation 3716326 (VCV003716326.3).

ClinVar aggregate classification (germline): Uncertain significance. Review status: criteria provided, multiple submitters, no conflicts (2 of 4 stars). 2 submissions from 2 submitters: Uncertain significance (2). Last evaluated 2025-09-22.

Conditions:
Inborn genetic diseases. Identifiers: MedGen C0950123, MeSH D030342.

gnomAD v4.1: 3 of 1,614,020 alleles (0.00019%); highest among the groups gnomAD compares: African/African-American, 0.0013%; no homozygotes.

Submissions (2):

Ambry Genetics
Classification: Uncertain significance for Inborn genetic diseases. Last evaluated: 2025-09-22. Review status: criteria provided, single submitter. Criteria: Ambry Variant Classification Scheme 2023. Collection method: clinical testing. Allele origin: germline.

Labcorp Genetics (formerly Invitae), Labcorp
Classification: Uncertain significance. Last evaluated: 2024-03-22. Review status: criteria provided, single submitter. Criteria: Invitae Variant Classification Sherloc (09022015). Collection method: clinical testing. Allele origin: germline.
Comment: This sequence change replaces proline, which is neutral and non-polar, with serine, which is neutral and polar, at codon 559 of the KLHL3 protein (p.Pro559Ser). This variant is not present in population databases (gnomAD no frequency). This variant has not been reported in the literature in individuals affected with KLHL3-related conditions. Advanced modeling of protein sequence and biophysical properties (such as structural, functional, and spatial information, amino acid conservation, physicochemical variation, residue mobility, and thermodynamic stability) performed at Invitae indicates that this missense variant is not expected to disrupt KLHL3 protein function with a negative predictive value of 80%. In summary, the available evidence is currently insufficient to determine the role of this variant in disease. Therefore, it has been classified as a Variant of Uncertain Significance.